The following is an entry in ClinVar:

NM_001372.4(DNAH9):c.5547_5550del (p.Asp1850fs)

Gene: DNAH9 (dynein axonemal heavy chain 9; plus strand). Cytogenetic location: 17p12.
Variant type: Microsatellite.
Coding change: c.5547_5550del on transcript NM_001372.4 (MANE Select); coding-DNA positions 5547 to 5550, 4 bases deleted (TGAC; older notation c.5547_5550delTGAC).
Protein change: p.Asp1850fs; shifts the reading frame from aspartic acid 1850.
Molecular consequence: frameshift variant.
Genome position (GRCh38, 1-based): chr17:11,705,180-11,705,183, TGAC deleted; deleting any 4 consecutive bases within chr17:11,705,176-11,705,183 gives the same sequence; the c. name uses the placement nearest the transcript's 3' end. VCF-style (leftmost placement, unchanged base first): chr17-11705175-TTGAC-T. GRCh37 (hg19) VCF-style: chr17-11608492-TTGAC-T.
Other names: short protein forms D1850fs.
Identifiers: ClinVar variation 2780375 (VCV002780375.3), dbSNP rs754462063, ClinGen allele CA8396020.

ClinVar aggregate classification (germline): Pathogenic (1 of 4 stars; one submission).

Submission:

Labcorp Genetics (formerly Invitae), Labcorp
Classification: Pathogenic. Last evaluated: 2023-03-31. Review status: criteria provided, single submitter. Criteria: Invitae Variant Classification Sherloc (09022015). Collection method: clinical testing. Allele origin: germline.
Comment: This variant is present in population databases (rs754462063, gnomAD 0.01%). For these reasons, this variant has been classified as Pathogenic. This premature translational stop signal has been observed in individual(s) with clinical features of primary ciliary dyskinesia (PMID: 33452233). This sequence change creates a premature translational stop signal (p.Asp1850Glyfs*12) in the DNAH9 gene. It is expected to result in an absent or disrupted protein product. Loss-of-function variants in DNAH9 are known to be pathogenic (PMID: 30471718).

Literature cited by the submitters: PubMed 33452233; PubMed 30471718.